The following is an entry in ClinVar:

ClinVar aggregate classification (germline): Uncertain significance (1 of 4 stars; one submission).

Conditions:
Cardiovascular phenotype. Identifiers: MedGen CN230736.

gnomAD v4.1: 1 of 1,515,402 alleles (0.000066%); highest among the groups gnomAD compares: East Asian, 0.0025%; no homozygotes.

Submission:

Ambry Genetics
Classification: Uncertain significance for Cardiovascular phenotype. Last evaluated: 2024-03-27. Review status: criteria provided, single submitter. Criteria: Ambry Variant Classification Scheme 2023. Collection method: clinical testing. Allele origin: germline.
Comment: The p.R947K variant (also known as c.2840G>A), located in coding exon 1 of the ZNF469 gene, results from a G to A substitution at nucleotide position 2840. The arginine at codon 947 is replaced by lysine, an amino acid with highly similar properties. This amino acid position is conserved. In addition, this alteration is predicted to be tolerated by in silico analysis. Based on the available evidence, the clinical significance of this alteration remains unclear.

NM_001367624.2(ZNF469):c.2840G>A (p.Arg947Lys)

Gene: ZNF469 (zinc finger protein 469; plus strand). Cytogenetic location: 16q24.2.
Variant type: single nucleotide variant.
Coding change: c.2840G>A on transcript NM_001367624.2 (MANE Select); coding-DNA position 2840, G replaced by A.
Protein change: p.Arg947Lys; replaces arginine 947 with lysine.
Molecular consequence: missense variant.
Genome position (GRCh38, 1-based): chr16:88,430,310, G>A. VCF-style: chr16-88430310-G-A. GRCh37 (hg19) VCF-style: chr16-88496718-G-A.
Other names: NM_001127464.1:c.2840G>A; short protein forms R947K.
Identifiers: ClinVar variation 3258220 (VCV003258220.1).
Genomic context (GRCh38, chr16:88,430,310, plus strand): 5'-GTTCCCTGGGTCTGGCCCCCACCGAGGCGGATGCGCCCAGCCAGGGCAGGCAGCAGAGGA[G>A]GGGGAAGCAGTTGAAGCTGTTCCGGAAGGATCTGGACTCGGGCGGCGCAGCAGAGGGGTC-3'
Protein context (NP_001354553.1, residues 937-957): DAPSQGRQQR[Arg947Lys]GKQLKLFRKD